The following is an entry in ClinVar:

ClinVar aggregate classification (germline): Uncertain significance (1 of 4 stars; one submission).

Submission:

GeneDx
Classification: Uncertain significance. Last evaluated: 2024-03-26. Review status: criteria provided, single submitter. Criteria: GeneDx Variant Classification Process June 2021. Collection method: clinical testing. Allele origin: germline. Affected: yes.
Comment: Not observed at significant frequency in large population cohorts (gnomAD); In silico analysis supports that this missense variant has a deleterious effect on protein structure/function; Has not been previously published as pathogenic or benign to our knowledge

NM_003470.3(USP7):c.557A>T (p.Asp186Val)

Gene: USP7 (ubiquitin specific peptidase 7; minus strand). Cytogenetic location: 16p13.2.
Variant type: single nucleotide variant.
Coding change: c.557A>T on transcript NM_003470.3 (MANE Select); coding-DNA position 557, A replaced by T.
Protein change: p.Asp186Val; replaces aspartic acid 186 with valine.
Molecular consequence: missense variant. On other transcripts: non-coding transcript variant (1).
Genome position (GRCh38, 1-based): chr16:8,920,413, T>A on the plus strand (A>T on the coding strand, the complement: USP7 is on the minus strand). VCF-style: chr16-8920413-T-A. GRCh37 (hg19) VCF-style: chr16-9014270-T-A.
Other names: c.509A>T, p.Asp170Val (NM_001286457.2); c.260A>T, p.Asp87Val (NM_001286458.2); c.383A>T, p.Asp128Val (NM_001321858.2); short protein forms D128V, D170V, D186V, D87V.
Identifiers: ClinVar variation 3371693 (VCV003371693.1).